The following is an entry in ClinVar:

ClinVar aggregate classification (germline): Uncertain significance (1 of 4 stars; one submission).

Conditions:
KMT2D-related disorder. Also called: KMT2D-Related Disorders.

Submission:

PreventionGenetics, part of Exact Sciences
Classification: Uncertain significance for KMT2D-related condition. Last evaluated: 2026-02-26. Review status: criteria provided, single submitter. Criteria: ACMG Guidelines, 2015. Collection method: clinical testing. Allele origin: germline.
Comment: The KMT2D c.12592C>G variant is predicted to result in the amino acid substitution p.Arg4198Gly. To our knowledge, this variant has not been reported in the literature or in a large population database (gnomAD), indicating this variant is rare. At this time, the clinical significance of this variant is uncertain due to the absence of conclusive functional and genetic evidence.

NM_003482.4(KMT2D):c.12592C>G (p.Arg4198Gly)

Gene: KMT2D (lysine methyltransferase 2D; minus strand). Cytogenetic location: 12q13.12.
Variant type: single nucleotide variant.
Coding change: c.12592C>G on transcript NM_003482.4 (MANE Select); coding-DNA position 12592, C replaced by G.
Protein change: p.Arg4198Gly; replaces arginine 4198 with glycine.
Molecular consequence: missense variant.
Genome position (GRCh38, 1-based): chr12:49,032,113, G>C on the plus strand (C>G on the coding strand, the complement: KMT2D is on the minus strand). VCF-style: chr12-49032113-G-C. GRCh37 (hg19) VCF-style: chr12-49425896-G-C.
Other names: short protein forms R4198G.
Identifiers: ClinVar variation 4996588 (VCV004996588.1).